The following is an entry in ClinVar:

NM_000193.4(SHH):c.596_604del (p.Phe199_Gly201del)

Gene: SHH (sonic hedgehog signaling molecule; minus strand). Cytogenetic location: 7q36.3.
Variant type: Deletion.
Coding change: c.596_604del on transcript NM_000193.4 (MANE Select); coding-DNA positions 596 to 604, 9 bases deleted (TCCCGGGCT; older notation c.596_604delTCCCGGGCT).
Protein change: p.Phe199_Gly201del.
Molecular consequence: inframe deletion. On other transcripts: intron variant (1).
Genome position (GRCh38, 1-based): chr7:155,803,685-155,803,693, AGCCCGGGA deleted on the plus strand (TCCCGGGCT on the coding strand, the reverse complement: SHH is on the minus strand); deleting any 9 consecutive bases within chr7:155,803,685-155,803,696 gives the same sequence; the c. name uses the placement nearest the transcript's 3' end. VCF-style (leftmost placement, unchanged base first): chr7-155803684-GAGCCCGGGA-G. GRCh37 (hg19) VCF-style: chr7-155596378-GAGCCCGGGA-G.
Other names: c.301+2603_301+2611del (NM_001310462.2).
Identifiers: ClinVar variation 1499009 (VCV001499009.8), dbSNP rs2117128881, ClinGen allele CA2573141891.

ClinVar aggregate classification (germline): Likely pathogenic (1 of 4 stars; one submission).

Conditions:
Holoprosencephaly 3 (HPE3). Identifiers: Orphanet 2162, MedGen C1840529, MONDO:0007733, OMIM 142945.

Submission:

Labcorp Genetics (formerly Invitae), Labcorp
Classification: Likely pathogenic for Holoprosencephaly 3. Last evaluated: 2021-04-01. Review status: criteria provided, single submitter. Criteria: Invitae Variant Classification Sherloc (09022015). Collection method: clinical testing. Allele origin: germline.
Comment: In summary, the currently available evidence indicates that the variant is pathogenic, but additional data are needed to prove that conclusively. Therefore, this variant has been classified as Likely Pathogenic. Experimental studies and prediction algorithms are not available or were not evaluated, and the functional significance of this variant is currently unknown. This variant has been observed in individual(s) with clinical features of holoprosencephaly (Invitae). In at least one individual the variant was observed to be de novo. This variant is not present in population databases (ExAC no frequency). This variant, c.596_604del, results in the deletion of 3 amino acid(s) of the SHH protein (p.Phe199_Gly201del), but otherwise preserves the integrity of the reading frame.